The following is an entry in ClinVar:

ClinVar aggregate classification (germline): Uncertain significance. Review status: criteria provided, multiple submitters, no conflicts (2 of 4 stars). 4 submissions from 4 submitters: Uncertain significance (4). Last evaluated 2024-11-06.

Allele frequency attached by ClinVar (database versions not stated): gnomAD exomes 0.00004 and 0.00005; ExAC 0.00006; ESP Exome Variant Server 0.00008; 1000 Genomes Project 30x 0.00016; 1000 Genomes Project 0.00020.
gnomAD v4.1: 83 of 1,606,968 alleles (0.0052%); highest among the groups gnomAD compares: Non-Finnish European, 0.0065%; no homozygotes.

Submissions (4):

Blueprint Genetics
Classification: Uncertain significance. Last evaluated: 2024-11-06. Review status: criteria provided, single submitter. Criteria: ACMG Guidelines, 2015. Collection method: clinical testing. Allele origin: germline.

Labcorp Genetics (formerly Invitae), Labcorp
Classification: Uncertain significance. Last evaluated: 2022-10-24. Review status: criteria provided, single submitter. Criteria: Invitae Variant Classification Sherloc (09022015). Collection method: clinical testing. Allele origin: germline.
Comment: This sequence change replaces threonine, which is neutral and polar, with methionine, which is neutral and non-polar, at codon 287 of the MME protein (p.Thr287Met). The frequency data for this variant in the population databases is considered unreliable, as metrics indicate poor data quality at this position in the gnomAD database. This variant has not been reported in the literature in individuals affected with MME-related conditions. ClinVar contains an entry for this variant (Variation ID: 1308058). Advanced modeling of protein sequence and biophysical properties (such as structural, functional, and spatial information, amino acid conservation, physicochemical variation, residue mobility, and thermodynamic stability) performed at Invitae indicates that this missense variant is not expected to disrupt MME protein function. In summary, the available evidence is currently insufficient to determine the role of this variant in disease. Therefore, it has been classified as a Variant of Uncertain Significance.

Revvity Omics, Revvity
Classification: Uncertain significance. Last evaluated: 2021-03-04. Review status: criteria provided, single submitter. Criteria: ACMG Guidelines, 2015. Collection method: clinical testing. Allele origin: germline.

GeneDx
Classification: Uncertain significance. Last evaluated: 2019-08-22. Review status: criteria provided, single submitter. Criteria: GeneDx Variant Classification Process June 2021. Collection method: clinical testing. Allele origin: germline. Affected: yes.
Comment: In silico analysis, which includes protein predictors and evolutionary conservation, supports a deleterious effect; Has not been previously published as pathogenic or benign to our knowledge

NM_007289.4(MME):c.860C>T (p.Thr287Met)

Gene: MME (membrane metalloendopeptidase; plus strand). Cytogenetic location: 3q25.2.
Variant type: single nucleotide variant.
Coding change: c.860C>T on transcript NM_007289.4 (MANE Select); coding-DNA position 860, C replaced by T.
Protein change: p.Thr287Met; replaces threonine 287 with methionine.
Molecular consequence: missense variant.
Genome position (GRCh38, 1-based): chr3:155,140,195, C>T. VCF-style: chr3-155140195-C-T. GRCh37 (hg19) VCF-style: chr3-154857984-C-T.
Other names: c.860C>T, p.Thr287Met (NM_000902.5, NM_001354642.2, NM_001354643.1 and 2 more transcripts); short protein forms T287M.
Identifiers: ClinVar variation 1308058 (VCV001308058.7), dbSNP rs202094946, ClinGen allele CA2675311.